The following is an entry in ClinVar:

ClinVar aggregate classification (germline): Uncertain significance (1 of 4 stars; one submission).

Allele frequency attached by ClinVar (database versions not stated): TOPMed below 0.00001; gnomAD 0.00001; gnomAD exomes 0.00001.

Submission:

Labcorp Genetics (formerly Invitae), Labcorp
Classification: Uncertain significance. Last evaluated: 2022-04-22. Review status: criteria provided, single submitter. Criteria: Invitae Variant Classification Sherloc (09022015). Collection method: clinical testing. Allele origin: germline.
Comment: The frequency data for this variant in the population databases is considered unreliable, as metrics indicate poor data quality at this position in the gnomAD database. In summary, the available evidence is currently insufficient to determine the role of this variant in disease. Therefore, it has been classified as a Variant of Uncertain Significance. Algorithms developed to predict the effect of missense changes on protein structure and function are either unavailable or do not agree on the potential impact of this missense change (SIFT: "Deleterious"; PolyPhen-2: "Not Available"; Align-GVGD: "Class C0"). This variant has not been reported in the literature in individuals affected with SRCAP-related conditions. This sequence change replaces threonine, which is neutral and polar, with isoleucine, which is neutral and non-polar, at codon 2852 of the SRCAP protein (p.Thr2852Ile).

NM_006662.3(SRCAP):c.8555C>T (p.Thr2852Ile)

Gene: SRCAP (Snf2 related CREBBP activator protein; plus strand). Cytogenetic location: 16p11.2.
Variant type: single nucleotide variant.
Coding change: c.8555C>T on transcript NM_006662.3 (MANE Select); coding-DNA position 8555, C replaced by T.
Protein change: p.Thr2852Ile; replaces threonine 2852 with isoleucine.
Molecular consequence: missense variant.
Genome position (GRCh38, 1-based): chr16:30,738,595, C>T. VCF-style: chr16-30738595-C-T. GRCh37 (hg19) VCF-style: chr16-30749916-C-T.
Other names: short protein forms T2852I.
Identifiers: ClinVar variation 1967888 (VCV001967888.5), dbSNP rs927348914, ClinGen allele CA280524832.